The following is an entry in ClinVar:

NM_138477.4(CDAN1):c.2590C>T (p.Arg864Trp)

Gene: CDAN1 (codanin 1; minus strand). Cytogenetic location: 15q15.2.
Variant type: single nucleotide variant.
Coding change: c.2590C>T on transcript NM_138477.4 (MANE Select); coding-DNA position 2590, C replaced by T.
Protein change: p.Arg864Trp; replaces arginine 864 with tryptophan.
Molecular consequence: missense variant.
Genome position (GRCh38, 1-based): chr15:42,729,078, G>A on the plus strand (C>T on the coding strand, the complement: CDAN1 is on the minus strand). VCF-style: chr15-42729078-G-A. GRCh37 (hg19) VCF-style: chr15-43021276-G-A.
Other names: c.2590C>T (NM_138477.2); short protein forms R864W.
Identifiers: ClinVar variation 994155 (VCV000994155.14), dbSNP rs746216798, ClinGen allele CA7515562.

ClinVar aggregate classification (germline): Uncertain significance. Review status: criteria provided, multiple submitters, no conflicts (2 of 4 stars). 4 submissions from 4 submitters: Uncertain significance (4). Last evaluated 2025-04-14.

Conditions:
Inborn genetic diseases. Identifiers: MedGen C0950123, MeSH D030342.
Congenital dyserythropoietic anemia, type I. Also called: Dyserythropoietic anemia, congenital type 1. Identifiers: Orphanet 98869, MedGen C0271933, MONDO:0020337. Disease mechanism: loss of function.

Allele frequency attached by ClinVar (database versions not stated): TOPMed 0.00001.

Submissions (4):

Labcorp Genetics (formerly Invitae), Labcorp
Classification: Uncertain significance. Last evaluated: 2025-04-14. Review status: criteria provided, single submitter. Criteria: Invitae Variant Classification Sherloc (09022015). Collection method: clinical testing. Allele origin: germline.
Comment: This sequence change replaces arginine, which is basic and polar, with tryptophan, which is neutral and slightly polar, at codon 864 of the CDAN1 protein (p.Arg864Trp). This variant is present in population databases (rs746216798, gnomAD 0.006%). This variant has not been reported in the literature in individuals affected with CDAN1-related conditions. ClinVar contains an entry for this variant (Variation ID: 994155). An algorithm developed to predict the effect of missense changes on protein structure and function (PolyPhen-2) suggests that this variant is likely to be disruptive. In summary, the available evidence is currently insufficient to determine the role of this variant in disease. Therefore, it has been classified as a Variant of Uncertain Significance.

GeneDx
Classification: Uncertain significance. Last evaluated: 2024-08-15. Review status: criteria provided, single submitter. Criteria: GeneDx Variant Classification Process June 2021. Collection method: clinical testing. Allele origin: germline. Affected: yes.
Comment: In silico analysis supports that this missense variant has a deleterious effect on protein structure/function; Has not been previously published as pathogenic or benign to our knowledge

Ambry Genetics
Classification: Uncertain significance for Inborn genetic diseases. Last evaluated: 2024-01-03. Review status: criteria provided, single submitter. Criteria: Ambry Variant Classification Scheme 2023. Collection method: clinical testing. Allele origin: germline.

ARUP Laboratories, Molecular Genetics and Genomics, ARUP Laboratories
Classification: Uncertain significance for Anemia, congenital dyserythropoietic, type 1a. Last evaluated: 2019-11-06. Review status: criteria provided, single submitter. Criteria: ARUP Molecular Germline Variant Investigation Process. Collection method: clinical testing. Allele origin: germline.